The following is an entry in ClinVar:

NM_001330260.2(SCN8A):c.2548C>G (p.Arg850Gly)

Gene: SCN8A (sodium voltage-gated channel alpha subunit 8; plus strand). Cytogenetic location: 12q13.13.
Variant type: single nucleotide variant.
Coding change: c.2548C>G on transcript NM_001330260.2 (MANE Select); coding-DNA position 2548, C replaced by G.
Protein change: p.Arg850Gly; replaces arginine 850 with glycine.
Molecular consequence: missense variant.
Genome position (GRCh38, 1-based): chr12:51,765,674, C>G. VCF-style: chr12-51765674-C-G. GRCh37 (hg19) VCF-style: chr12-52159458-C-G.
Other names: c.2548C>G, p.Arg850Gly (NM_001177984.3, NM_001369788.1, NM_014191.4); short protein forms R850G.
Identifiers: ClinVar variation 1526183 (VCV001526183.2), dbSNP rs1555225782, ClinGen allele CA384886433.
Genomic context (GRCh38, chr12:51,765,674, plus strand): 5'-GTGAGAAAATTGATTGAGTATCATTTATTTTTTTGTTTGGGTTTTTTTTTTCCTTAGCTC[C>G]GAGTCTTCAAATTGGCCAAATCCTGGCCCACCCTGAACATGCTAATCAAGATTATTGGAA-3'
Protein context (NP_001317189.1, residues 840-860): LSVLRSFRLL[Arg850Gly]VFKLAKSWPT

ClinVar aggregate classification (germline): Pathogenic/Likely pathogenic. Review status: criteria provided, multiple submitters, no conflicts (2 of 4 stars). 2 submissions from 2 submitters: Pathogenic (1); Likely pathogenic (1). Last evaluated 2022-03-22.

Conditions:
SCN8A-related disorder.
Cognitive impairment with or without cerebellar ataxia (CIAT). Identifiers: MedGen C3280415, MONDO:0013680, OMIM 614306.

Submissions (2):

3billion
Classification: Pathogenic for Cognitive impairment with or without cerebellar ataxia. Last evaluated: 2022-03-22. Review status: criteria provided, single submitter. Criteria: ACMG Guidelines, 2015. Collection method: clinical testing. Allele origin: germline. Affected: yes. Observed: 1 heterozygote.
Comment: The variant has been previously reported as de novo in a similarly affected individual (PS2_S). A different missense change at the same codon has been reported as pathogenic/likely pathogenic with strong evidence (ClinVar ID: VCV000135651, PMID:25785782,30171078). In silico tool predictions suggest damaging effect of the variant on gene or gene product (REVEL: 0.911>=0.6, 3CNET: 0.94>=0.75). A missense variant is a common mechanism associated with Cognitive impairment with or without cerebellar ataxia. It is not observed in the gnomAD v2.1.1 dataset. Therefore, this variant is classified as pathogenic according to the recommendation of ACMG/AMP guideline.

Blueprint Genetics
Classification: Likely pathogenic for SCN8A-related disorders. Last evaluated: 2019-10-09. Review status: criteria provided, single submitter. Criteria: ACMG Guidelines, 2015. Collection method: clinical testing. Allele origin: germline. Affected: yes. Observed: 1 variant allele.

Literature cited by the submitters: PubMed 25785782 (cited by 3billion); PubMed 30171078 (cited by 3billion); PubMed 30868116 (cited by 3billion).